The following is an entry in ClinVar:

ClinVar aggregate classification (germline): Uncertain significance. Review status: criteria provided, multiple submitters, no conflicts (2 of 4 stars). 2 submissions from 2 submitters: Uncertain significance (2). Last evaluated 2025-11-23.

gnomAD v4.1: 5 of 1,613,952 alleles (0.00031%); highest among the groups gnomAD compares: East Asian, 0.0045%; no homozygotes.

Submissions (2):

Labcorp Genetics (formerly Invitae), Labcorp
Classification: Uncertain significance. Last evaluated: 2025-11-23. Review status: criteria provided, single submitter. Criteria: Invitae Variant Classification Sherloc (09022015). Collection method: clinical testing. Allele origin: germline.
Comment: This sequence change replaces proline, which is neutral and non-polar, with serine, which is neutral and polar, at codon 126 of the KIF23 protein (p.Pro126Ser). This variant is present in population databases (rs774076969, gnomAD 0.006%). This variant has not been reported in the literature in individuals affected with KIF23-related conditions. ClinVar contains an entry for this variant (Variation ID: 4092574). Invitae Evidence Modeling of protein sequence and biophysical properties (such as structural, functional, and spatial information, amino acid conservation, physicochemical variation, residue mobility, and thermodynamic stability) indicates that this missense variant is not expected to disrupt KIF23 protein function with a negative predictive value of 80%. In summary, the available evidence is currently insufficient to determine the role of this variant in disease. Therefore, it has been classified as a Variant of Uncertain Significance.

Ambry Genetics
Classification: Uncertain significance. Last evaluated: 2025-07-02. Review status: criteria provided, single submitter. Criteria: Ambry Variant Classification Scheme 2023. Collection method: clinical testing. Allele origin: germline.

NM_001367805.3(KIF23):c.376C>T (p.Pro126Ser)

Gene: KIF23 (kinesin family member 23; plus strand). Cytogenetic location: 15q23.
Variant type: single nucleotide variant.
Coding change: c.376C>T on transcript NM_001367805.3 (MANE Select); coding-DNA position 376, C replaced by T.
Protein change: p.Pro126Ser; replaces proline 126 with serine.
Molecular consequence: missense variant. On other transcripts: non-coding transcript variant (2), intron variant (1).
Genome position (GRCh38, 1-based): chr15:69,422,051, C>T. VCF-style: chr15-69422051-C-T. GRCh37 (hg19) VCF-style: chr15-69714390-C-T.
Other names: c.376C>T, p.Pro126Ser (NM_001367804.2, NM_004856.7, NM_138555.4); c.124-275C>T (NM_001281301.2); short protein forms P126S.
Identifiers: ClinVar variation 4092574 (VCV004092574.2).